The following is an entry in ClinVar:

NM_015346.4(ZFYVE26):c.5426G>A (p.Trp1809Ter)

Gene: ZFYVE26 (zinc finger FYVE-type containing 26; minus strand). Cytogenetic location: 14q24.1.
Variant type: single nucleotide variant.
Coding change: c.5426G>A on transcript NM_015346.4 (MANE Select); coding-DNA position 5426, G replaced by A.
Protein change: p.Trp1809Ter; replaces tryptophan 1809 with a stop codon.
Molecular consequence: nonsense.
Genome position (GRCh38, 1-based): chr14:67,772,105, C>T on the plus strand (G>A on the coding strand, the complement: ZFYVE26 is on the minus strand). VCF-style: chr14-67772105-C-T. GRCh37 (hg19) VCF-style: chr14-68238822-C-T.
Other names: short protein forms W1809*.
Identifiers: ClinVar variation 643788 (VCV000643788.6), dbSNP rs1594900921, ClinGen allele CA390167355.
Genomic context (GRCh38, chr14:67,772,105, plus strand): 5'-ACCATGGTGAAGTGCTCCCTGCAGCAGACCATGCAGATACTCTCAGTCTCATCCGGTACC[C>T]ACTGGTGCCTGGCAGGGGGTGTCGCTGGGGGCACAAATTCCTGTGAGGGCTGGGTTGGTG-3'

ClinVar aggregate classification (germline): Pathogenic (1 of 4 stars; one submission).

Conditions:
Spastic paraplegia. Identifiers: MedGen C0037772, HP:0001258.

Allele frequency attached by ClinVar (database versions not stated): gnomAD exomes below 0.00001.
gnomAD v4.1: 4 of 1,612,794 alleles (0.00025%); highest among the groups gnomAD compares: Non-Finnish European, 0.00034%; no homozygotes.

Submission:

Labcorp Genetics (formerly Invitae), Labcorp
Classification: Pathogenic for Spastic paraplegia. Last evaluated: 2018-12-27. Review status: criteria provided, single submitter. Criteria: Invitae Variant Classification Sherloc (09022015). Collection method: clinical testing. Allele origin: germline.
Comment: For these reasons, this variant has been classified as Pathogenic. Loss-of-function variants in ZFYVE26 are known to be pathogenic (PMID: 18394578, 19805727). This variant has not been reported in the literature in individuals with ZFYVE26-related conditions. This variant is not present in population databases (ExAC no frequency). This sequence change creates a premature translational stop signal (p.Trp1809*) in the ZFYVE26 gene. It is expected to result in an absent or disrupted protein product.

Literature cited by the submitters: PubMed 18394578; PubMed 19805727.